The following is an entry in ClinVar:

ClinVar aggregate classification (germline): Benign. Review status: criteria provided, single submitter (1 of 4 stars). 2 submissions from 2 submitters: Benign (1). 1 of the submissions does not count toward it. Last evaluated 2021-05-04.

Conditions:
ITPR3-related disorder. Also called: ITPR3-related condition.

Allele frequency attached by ClinVar (database versions not stated): ESP Exome Variant Server 0.01545; gnomAD exomes 0.01723 and 0.03136; gnomAD 0.02225 and 0.02423; TOPMed 0.02438; ExAC 0.02984; 1000 Genomes Project 30x 0.05372; 1000 Genomes Project 0.05551.
gnomAD v4.1: 29,033 of 1,614,096 alleles (1.8%); highest among the groups gnomAD compares: East Asian, 13%; 700 homozygotes.

Submissions (2):

GeneDx
Classification: Benign. Last evaluated: 2021-05-04. Review status: criteria provided, single submitter. Criteria: GeneDx Variant Classification Process June 2021. Collection method: clinical testing. Allele origin: germline. Affected: yes.

PreventionGenetics, part of Exact Sciences
Classification: Benign for ITPR3-related condition. Last evaluated: 2019-05-24. Review status: no assertion criteria provided. Collection method: clinical testing. Allele origin: germline. Not counted in ClinVar's aggregate classification.
Comment: This variant is classified as benign based on ACMG/AMP sequence variant interpretation guidelines (Richards et al. 2015 PMID: 25741868, with internal and published modifications).

NM_002224.4(ITPR3):c.1131C>T (p.Thr377=)

Gene: ITPR3 (inositol 1,4,5-trisphosphate receptor type 3; plus strand). Cytogenetic location: 6p21.31.
Variant type: single nucleotide variant.
Coding change: c.1131C>T on transcript NM_002224.4 (MANE Select); coding-DNA position 1131, C replaced by T.
Protein change: p.Thr377=; no amino-acid change (threonine 377 retained).
Molecular consequence: synonymous variant.
Genome position (GRCh38, 1-based): chr6:33,663,863, C>T. VCF-style: chr6-33663863-C-T. GRCh37 (hg19) VCF-style: chr6-33631640-C-T.
Identifiers: ClinVar variation 1259069 (VCV001259069.4), dbSNP rs2229631, ClinGen allele CA3760160.